The following is an entry in ClinVar:

NM_004840.3(ARHGEF6):c.1406G>A (p.Arg469Gln)

Gene: ARHGEF6 (Rac/Cdc42 guanine nucleotide exchange factor 6; minus strand). Cytogenetic location: Xq26.3.
Variant type: single nucleotide variant.
Coding change: c.1406G>A on transcript NM_004840.3 (MANE Select); coding-DNA position 1406, G replaced by A.
Protein change: p.Arg469Gln; replaces arginine 469 with glutamine.
Molecular consequence: missense variant.
Genome position (GRCh38, 1-based): chrX:136,682,831, C>T on the plus strand (G>A on the coding strand, the complement: ARHGEF6 is on the minus strand). VCF-style: chrX-136682831-C-T. GRCh37 (hg19) VCF-style: chrX-135764990-C-T.
Other names: c.1406G>A, p.Arg469Gln (NM_001440996.1, NM_001440993.1, NM_001440995.1); c.1235G>A, p.Arg412Gln (NM_001440997.1, NM_001440998.1); c.944G>A, p.Arg315Gln (NM_001306177.2); c.1487G>A, p.Arg496Gln (NM_001440994.1); short protein forms R315Q, R412Q, R469Q, R496Q.
Identifiers: ClinVar variation 4980710 (VCV004980710.1).

ClinVar aggregate classification (germline): Likely benign (1 of 4 stars; one submission).

Conditions:
ARHGEF6-related disorder. Also called: ARHGEF6-related condition.

gnomAD v4.1: 136 of 1,202,766 alleles (0.011%); highest among the groups gnomAD compares: East Asian, 0.32%; 1 homozygote.

Submission:

PreventionGenetics, part of Exact Sciences
Classification: Likely benign for ARHGEF6-related condition. Last evaluated: 2025-03-12. Review status: criteria provided, single submitter. Criteria: ACMG Guidelines, 2015. Collection method: clinical testing. Allele origin: germline.
Comment: This variant is classified as likely benign based on ACMG/AMP sequence variant interpretation guidelines (Richards et al. 2015 PMID: 25741868, with internal and published modifications).